The following is an entry in ClinVar:

ClinVar aggregate classification (germline): Uncertain significance (1 of 4 stars; one submission).

Conditions:
Generalized epilepsy with febrile seizures plus, type 7 (GEFSP7). Also called: GEFS+, TYPE 7. Identifiers: Orphanet 36387, MedGen C2751778, MONDO:0013470, OMIM 613863.
Neuropathy, hereditary sensory and autonomic, type 2A (HSAN2A). Also called: ACROOSTEOLYSIS, GIACCAI TYPE; ACROOSTEOLYSIS, NEUROGENIC; MORVAN DISEASE; NEUROPATHY, CONGENITAL SENSORY; NEUROPATHY, HEREDITARY SENSORY RADICULAR, AUTOSOMAL RECESSIVE; NEUROPATHY, HEREDITARY SENSORY, TYPE IIA. Identifiers: Orphanet 970, MedGen C2752089, MONDO:0024309, OMIM 201300.

Submission:

Labcorp Genetics (formerly Invitae), Labcorp
Classification: Uncertain significance for Neuropathy, hereditary sensory and autonomic, type 2A; Generalized epilepsy with febrile seizures plus, type 7. Last evaluated: 2023-06-04. Review status: criteria provided, single submitter. Criteria: Invitae Variant Classification Sherloc (09022015). Collection method: clinical testing. Allele origin: unknown.
Comment: In summary, the available evidence is currently insufficient to determine the role of this variant in disease. Therefore, it has been classified as a Variant of Uncertain Significance. This variant has not been reported in the literature in individuals affected with SCN9A-related conditions. This variant results in a copy number gain of the genomic region encompassing exon(s) 2-14 of the SCN9A gene. This region includes the initiator codon of the gene. This copy number gain extends beyond the assayed region for this gene and therefore may encompass additional genes. As the precise location of this event is unknown, it may be in tandem or it may be located elsewhere in the genome.

NC_000002.11:g.(?_167136847)_(167168266_?)dup

Gene: SCN9A (sodium voltage-gated channel alpha subunit 9; minus strand). Cytogenetic location: 2q24.3.
Variant type: Duplication.
Identifiers: ClinVar variation 3247364 (VCV003247364.1).